The following is an entry in ClinVar:

NM_001129.5(AEBP1):c.465G>A (p.Glu155=)

Gene: AEBP1 (AE binding protein 1; plus strand). Cytogenetic location: 7p13.
Variant type: single nucleotide variant.
Coding change: c.465G>A on transcript NM_001129.5 (MANE Select); coding-DNA position 465, G replaced by A.
Protein change: p.Glu155=; no amino-acid change (glutamic acid 155 retained).
Molecular consequence: synonymous variant.
Genome position (GRCh38, 1-based): chr7:44,106,757, G>A. VCF-style: chr7-44106757-G-A. GRCh37 (hg19) VCF-style: chr7-44146356-G-A.
Other names: p.Glu155=; c.465G>A (NM_001129.4).
Identifiers: ClinVar variation 1663644 (VCV001663644.17), dbSNP rs201151753, ClinGen allele CA4237481.

ClinVar aggregate classification (germline): Benign/Likely benign. Review status: criteria provided, multiple submitters, no conflicts (2 of 4 stars). 6 submissions from 6 submitters: Benign (1); Likely benign (4). 1 of the submissions does not count toward it. Last evaluated 2026-09-01.

Conditions:
AEBP1-related disorder. Also called: AEBP1-related condition.

Allele frequency attached by ClinVar (database versions not stated): gnomAD 0.00027 and 0.00031; TOPMed 0.00054; ExAC 0.00072; gnomAD exomes 0.00096; 1000 Genomes Project 0.00120; 1000 Genomes Project 30x 0.00141.
gnomAD v4.1: 343 of 1,612,524 alleles (0.021%); highest among the groups gnomAD compares: Admixed American, 0.53%; 1 homozygote.

Submissions (6):

CeGaT Center for Human Genetics Tuebingen
Classification: Likely benign. Last evaluated: 2026-09-01. Review status: criteria provided, single submitter. Criteria: CeGaT Center For Human Genetics Tuebingen Variant Classification Criteria Version 2. Collection method: clinical testing. Allele origin: germline. Affected: yes. Observed: 3 variant alleles.
Comment: AEBP1: BP4, BP7

Labcorp Genetics (formerly Invitae), Labcorp
Classification: Benign. Last evaluated: 2026-01-12. Review status: criteria provided, single submitter. Criteria: Invitae Variant Classification Sherloc (09022015). Collection method: clinical testing. Allele origin: germline.

Mayo Clinic Laboratories, Mayo Clinic
Classification: Likely benign. Last evaluated: 2025-06-03. Review status: criteria provided, single submitter. Criteria: ACMG Guidelines, 2015. Collection method: clinical testing. Allele origin: germline. Observed: 2 variant alleles.
Comment: BS1, BP4, BP7

Women's Health and Genetics/Laboratory Corporation of America, LabCorp
Classification: Likely benign. Last evaluated: 2024-12-16. Review status: criteria provided, single submitter. Criteria: LabCorp Variant Classification Summary - May 2015. Collection method: clinical testing. Allele origin: germline.

Blueprint Genetics
Classification: Likely benign. Last evaluated: 2024-09-06. Review status: criteria provided, single submitter. Criteria: ACMG Guidelines, 2015. Collection method: clinical testing. Allele origin: germline.

PreventionGenetics, part of Exact Sciences
Classification: Likely benign for AEBP1-related condition. Last evaluated: 2019-11-27. Review status: no assertion criteria provided. Collection method: clinical testing. Allele origin: germline. Not counted in ClinVar's aggregate classification.
Comment: This variant is classified as likely benign based on ACMG/AMP sequence variant interpretation guidelines (Richards et al. 2015 PMID: 25741868, with internal and published modifications).